The following is an entry in ClinVar:

ClinVar aggregate classification (germline): Uncertain significance. Review status: criteria provided, multiple submitters, no conflicts (2 of 4 stars). 2 submissions from 2 submitters: Uncertain significance (2). Last evaluated 2025-10-21.

Allele frequency attached by ClinVar (database versions not stated): TOPMed 0.00002; ExAC 0.00002; gnomAD 0.00003.
gnomAD v4.1: 21 of 1,614,022 alleles (0.0013%); highest among the groups gnomAD compares: South Asian, 0.0055%; no homozygotes.

Submissions (2):

Labcorp Genetics (formerly Invitae), Labcorp
Classification: Uncertain significance. Last evaluated: 2025-10-21. Review status: criteria provided, single submitter. Criteria: Invitae Variant Classification Sherloc (09022015). Collection method: clinical testing. Allele origin: germline.
Comment: This sequence change replaces proline, which is neutral and non-polar, with leucine, which is neutral and non-polar, at codon 128 of the ARHGEF1 protein (p.Pro128Leu). This variant is present in population databases (rs782695745, gnomAD 0.01%). This variant has not been reported in the literature in individuals affected with ARHGEF1-related conditions. ClinVar contains an entry for this variant (Variation ID: 2999512). An algorithm developed to predict the effect of missense changes on protein structure and function (PolyPhen-2) suggests that this variant is likely to be tolerated. In summary, the available evidence is currently insufficient to determine the role of this variant in disease. Therefore, it has been classified as a Variant of Uncertain Significance.

Ambry Genetics
Classification: Uncertain significance. Last evaluated: 2025-08-04. Review status: criteria provided, single submitter. Criteria: Ambry Variant Classification Scheme 2023. Collection method: clinical testing. Allele origin: germline.

NM_004706.4(ARHGEF1):c.338C>T (p.Pro113Leu)

Gene: ARHGEF1 (Rho guanine nucleotide exchange factor 1; plus strand). Cytogenetic location: 19q13.2.
Variant type: single nucleotide variant.
Coding change: c.338C>T on transcript NM_004706.4 (MANE Select); coding-DNA position 338, C replaced by T.
Protein change: p.Pro113Leu; replaces proline 113 with leucine.
Molecular consequence: missense variant. On other transcripts: non-coding transcript variant (2).
Genome position (GRCh38, 1-based): chr19:41,892,344, C>T. VCF-style: chr19-41892344-C-T. GRCh37 (hg19) VCF-style: chr19-42396415-C-T.
Other names: c.383C>T (NM_199002.1); c.338C>T, p.Pro113Leu (NM_001396000.1, NM_001396003.1, NM_001396006.1); c.239C>T, p.Pro80Leu (NM_001396002.1, NM_001396004.1, NM_198977.2); c.383C>T, p.Pro128Leu (NM_199002.2); short protein forms P113L, P128L, P80L.
Identifiers: ClinVar variation 2999512 (VCV002999512.4), dbSNP rs782695745, ClinGen allele CA9465872.